The following is an entry in ClinVar:

NM_002332.3(LRP1):c.561del (p.Cys188fs)

Genes: LRP1 (LDL receptor related protein 1; plus strand), LRP1-AS (LRP1 antisense RNA; minus strand). Cytogenetic location: 12q13.3.
Variant type: Deletion.
Coding change: c.561del on transcript NM_002332.3 (MANE Select); coding-DNA position 561, one base deleted (C; older notation c.561delC).
Protein change: p.Cys188fs; shifts the reading frame from cysteine 188.
Molecular consequence: frameshift variant.
Genome position (GRCh38, 1-based): chr12:57,145,084, C deleted; the last of 2 consecutive C bases (chr12:57,145,083-57,145,084); deleting either gives the same sequence. VCF-style (leftmost placement, unchanged base first): chr12-57145082-TC-T. GRCh37 (hg19) VCF-style: chr12-57538865-TC-T.
Other names: short protein forms C188fs.
Identifiers: ClinVar variation 4976670 (VCV004976670.2).

ClinVar aggregate classification (germline): Pathogenic (1 of 4 stars; one submission).

Submission:

GeneDx
Classification: Pathogenic. Last evaluated: 2026-10-23. Review status: criteria provided, single submitter. Criteria: GeneDx Variant Classification Process June 2021. Collection method: clinical testing. Allele origin: germline.
Comment: Not observed at significant frequency in large population cohorts (gnomAD); Frameshift variant predicted to result in protein truncation or nonsense mediated decay in a gene for which loss of function is a known mechanism of disease; This variant is associated with the following publications: (PMID: 42649465)